The following is an entry in ClinVar:

ClinVar aggregate classification (germline): Uncertain significance (1 of 4 stars; one submission).

gnomAD v4.1: 7 of 1,614,100 alleles (0.00043%); highest among the groups gnomAD compares: South Asian, 0.0066%; no homozygotes.

Submission:

Labcorp Genetics (formerly Invitae), Labcorp
Classification: Uncertain significance. Last evaluated: 2025-06-03. Review status: criteria provided, single submitter. Criteria: Invitae Variant Classification Sherloc (09022015). Collection method: clinical testing. Allele origin: germline.
Comment: This sequence change replaces glutamine, which is neutral and polar, with glutamic acid, which is acidic and polar, at codon 209 of the PLVAP protein (p.Gln209Glu). This variant is present in population databases (rs760223908, gnomAD 0.01%). This variant has not been reported in the literature in individuals affected with PLVAP-related conditions. Invitae Evidence Modeling of protein sequence and biophysical properties (such as structural, functional, and spatial information, amino acid conservation, physicochemical variation, residue mobility, and thermodynamic stability) indicates that this missense variant is expected to disrupt PLVAP protein function with a positive predictive value of 80%. In summary, the available evidence is currently insufficient to determine the role of this variant in disease. Therefore, it has been classified as a Variant of Uncertain Significance.

NM_031310.3(PLVAP):c.625C>G (p.Gln209Glu)

Gene: PLVAP (plasmalemma vesicle associated protein; minus strand). Cytogenetic location: 19p13.11.
Variant type: single nucleotide variant.
Coding change: c.625C>G on transcript NM_031310.3 (MANE Select); coding-DNA position 625, C replaced by G.
Protein change: p.Gln209Glu; replaces glutamine 209 with glutamic acid.
Molecular consequence: missense variant.
Genome position (GRCh38, 1-based): chr19:17,365,840, G>C on the plus strand (C>G on the coding strand, the complement: PLVAP is on the minus strand). VCF-style: chr19-17365840-G-C. GRCh37 (hg19) VCF-style: chr19-17476649-G-C.
Other names: short protein forms Q209E.
Identifiers: ClinVar variation 4768190 (VCV004768190.1).